The following is an entry in ClinVar:

ClinVar aggregate classification (germline): Uncertain significance. Review status: criteria provided, multiple submitters, no conflicts (2 of 4 stars). 2 submissions from 2 submitters: Uncertain significance (2). Last evaluated 2023-02-08.

Conditions:
Hereditary cancer-predisposing syndrome. Also called: Neoplastic Syndromes, Hereditary; Tumor predisposition; Hereditary neoplastic syndrome; Hereditary Cancer Syndrome. Identifiers: Orphanet 140162, MedGen C0027672, MeSH D009386, MONDO:0015356.
Gorlin syndrome. Also called: Basal cell nevus syndrome; Nevoid Basal Cell Carcinoma Syndrome. Identifiers: Orphanet 377, MedGen C0004779, MONDO:0007187.

Allele frequency attached by ClinVar (database versions not stated): TOPMed below 0.00001.

Submissions (2):

Labcorp Genetics (formerly Invitae), Labcorp
Classification: Uncertain significance for Gorlin syndrome. Last evaluated: 2023-02-08. Review status: criteria provided, single submitter. Criteria: Invitae Variant Classification Sherloc (09022015). Collection method: clinical testing. Allele origin: germline.
Comment: In summary, the available evidence is currently insufficient to determine the role of this variant in disease. Therefore, it has been classified as a Variant of Uncertain Significance. This sequence change replaces arginine, which is basic and polar, with glycine, which is neutral and non-polar, at codon 770 of the PTCH1 protein (p.Arg770Gly). This variant is not present in population databases (gnomAD no frequency). This variant has not been reported in the literature in individuals affected with PTCH1-related conditions. ClinVar contains an entry for this variant (Variation ID: 1789383). Advanced modeling of protein sequence and biophysical properties (such as structural, functional, and spatial information, amino acid conservation, physicochemical variation, residue mobility, and thermodynamic stability) performed at Invitae indicates that this missense variant is not expected to disrupt PTCH1 protein function.

Ambry Genetics
Classification: Uncertain significance for Hereditary cancer-predisposing syndrome. Last evaluated: 2022-01-29. Review status: criteria provided, single submitter. Criteria: Ambry Variant Classification Scheme 2023. Collection method: clinical testing. Allele origin: germline.
Comment: The p.R770G variant (also known as c.2308C>G), located in coding exon 15 of the PTCH1 gene, results from a C to G substitution at nucleotide position 2308. The arginine at codon 770 is replaced by glycine, an amino acid with dissimilar properties. This amino acid position is conserved. In addition, the in silico prediction for this alteration is inconclusive. Since supporting evidence is limited at this time, the clinical significance of this alteration remains unclear.

NM_000264.5(PTCH1):c.2308C>G (p.Arg770Gly)

Genes: PTCH1 (patched 1; minus strand), LOC100507346 (uncharacterized LOC100507346; plus strand). Cytogenetic location: 9q22.32.
Variant type: single nucleotide variant.
Coding change: c.2308C>G on transcript NM_000264.5 (MANE Select); coding-DNA position 2308, C replaced by G.
Protein change: p.Arg770Gly; replaces arginine 770 with glycine.
Molecular consequence: missense variant. On other transcripts: non-coding transcript variant (1).
Genome position (GRCh38, 1-based): chr9:95,467,368, G>C on the plus strand (C>G on the coding strand, the complement: PTCH1 is on the minus strand). VCF-style: chr9-95467368-G-C. GRCh37 (hg19) VCF-style: chr9-98229650-G-C.
Other names: c.2110C>G, p.Arg704Gly (NM_001083602.3); c.2305C>G, p.Arg769Gly (NM_001083603.3); c.1855C>G, p.Arg619Gly (NM_001083604.3, NM_001083605.3, NM_001083606.3 and 1 more transcripts); c.2152C>G, p.Arg718Gly (NM_001354918.2); short protein forms R704G, R770G, R718G, R619G, R769G.
Identifiers: ClinVar variation 1789383 (VCV001789383.7), dbSNP rs766313615, ClinGen allele CA374114639.
Genomic context (GRCh38, chr9:95,467,368, plus strand): 5'-AGTCATATTCTCTGGTTTCCCGAGGTACAATGTCCGTAAGGTCCAGCCCGTCTCTCACTC[G>C]GGTGGTGCCATAAAGGCTGACCCCCAGCAAGCCCAGAAAAAGGAAGATCACCACTACCTG-3'
Protein context (NP_000255.2, residues 760-780): LLGVSLYGTT[Arg770Gly]VRDGLDLTDI